The following is an entry in ClinVar:

ClinVar aggregate classification (germline): Uncertain significance. Review status: criteria provided, multiple submitters, no conflicts (2 of 4 stars). 2 submissions from 2 submitters: Uncertain significance (2). Last evaluated 2023-12-27.

Conditions:
Colorectal cancer, hereditary nonpolyposis, type 7. Identifiers: Orphanet 144, MedGen C1858380, MONDO:0013725, OMIM 614385.

gnomAD v4.1: 4 of 1,614,072 alleles (0.00025%); highest among the groups gnomAD compares: Non-Finnish European, 0.00034%; no homozygotes.

Submissions (2):

Ambry Genetics
Classification: Uncertain significance. Last evaluated: 2023-12-27. Review status: criteria provided, single submitter. Criteria: Ambry Variant Classification Scheme 2023. Collection method: clinical testing. Allele origin: germline.

Labcorp Genetics (formerly Invitae), Labcorp
Classification: Uncertain significance for Colorectal cancer, hereditary nonpolyposis, type 7. Last evaluated: 2023-11-17. Review status: criteria provided, single submitter. Criteria: Invitae Variant Classification Sherloc (09022015). Collection method: clinical testing. Allele origin: germline.
Comment: This sequence change replaces arginine, which is basic and polar, with threonine, which is neutral and polar, at codon 906 of the MLH3 protein (p.Arg906Thr). This variant is not present in population databases (gnomAD no frequency). This variant has not been reported in the literature in individuals affected with MLH3-related conditions. ClinVar contains an entry for this variant (Variation ID: 1795122). Algorithms developed to predict the effect of missense changes on protein structure and function output the following: SIFT: "Not Available"; PolyPhen-2: "Benign"; Align-GVGD: "Not Available". The threonine amino acid residue is found in multiple mammalian species, which suggests that this missense change does not adversely affect protein function. In summary, the available evidence is currently insufficient to determine the role of this variant in disease. Therefore, it has been classified as a Variant of Uncertain Significance.

NM_001040108.2(MLH3):c.2717G>C (p.Arg906Thr)

Gene: MLH3 (mutL homolog 3; minus strand). Cytogenetic location: 14q24.3.
Variant type: single nucleotide variant.
Coding change: c.2717G>C on transcript NM_001040108.2 (MANE Select); coding-DNA position 2717, G replaced by C.
Protein change: p.Arg906Thr; replaces arginine 906 with threonine.
Molecular consequence: missense variant.
Genome position (GRCh38, 1-based): chr14:75,046,939, C>G on the plus strand (G>C on the coding strand, the complement: MLH3 is on the minus strand). VCF-style: chr14-75046939-C-G. GRCh37 (hg19) VCF-style: chr14-75513642-C-G.
Other names: c.2717G>C, p.Arg906Thr (NM_014381.3); short protein forms R906T.
Identifiers: ClinVar variation 1795122 (VCV001795122.5), dbSNP rs2503262716, ClinGen allele CA390438898.